The following is an entry in ClinVar:

ClinVar aggregate classification (germline): Uncertain significance (1 of 4 stars; one submission).

Conditions:
Inborn genetic diseases. Identifiers: MedGen C0950123, MeSH D030342.

Submission:

Ambry Genetics
Classification: Uncertain significance for Inborn genetic diseases. Last evaluated: 2025-07-25. Review status: criteria provided, single submitter. Criteria: Ambry Variant Classification Scheme 2023. Collection method: clinical testing. Allele origin: germline.
Comment: The p.N31I variant (also known as c.92A>T), located in coding exon 2 of the ERCC6L2 gene, results from an A to T substitution at nucleotide position 92. The asparagine at codon 31 is replaced by isoleucine, an amino acid with dissimilar properties. This amino acid position is conserved. In addition, the in silico prediction for this alteration is inconclusive. Based on the available evidence, the clinical significance of this variant remains unclear.

NM_020207.7(ERCC6L2):c.92A>T (p.Asn31Ile)

Gene: ERCC6L2 (ERCC excision repair 6 like 2; plus strand). Cytogenetic location: 9q22.32.
Variant type: single nucleotide variant.
Coding change: c.92A>T on transcript NM_020207.7 (MANE Select); coding-DNA position 92, A replaced by T.
Protein change: p.Asn31Ile; replaces asparagine 31 with isoleucine.
Molecular consequence: missense variant. On other transcripts: non-coding transcript variant (1).
Genome position (GRCh38, 1-based): chr9:95,880,914, A>T. VCF-style: chr9-95880914-A-T. GRCh37 (hg19) VCF-style: chr9-98643196-A-T.
Other names: c.92A>T, p.Asn31Ile (NM_001010895.4, NM_001375291.1, NM_001375292.1 and 2 more transcripts); short protein forms N31I.
Identifiers: ClinVar variation 4250597 (VCV004250597.1).